The following is an entry in ClinVar:

NM_004082.5(DCTN1):c.223G>A (p.Gly75Ser)

Gene: DCTN1 (dynactin subunit 1; minus strand). Cytogenetic location: 2p13.1.
Variant type: single nucleotide variant.
Coding change: c.223G>A on transcript NM_004082.5 (MANE Select); coding-DNA position 223, G replaced by A.
Protein change: p.Gly75Ser; replaces glycine 75 with serine.
Molecular consequence: missense variant. On other transcripts: non-coding transcript variant (1).
Genome position (GRCh38, 1-based): chr2:74,378,056, C>T on the plus strand (G>A on the coding strand, the complement: DCTN1 is on the minus strand). VCF-style: chr2-74378056-C-T. GRCh37 (hg19) VCF-style: chr2-74605183-C-T.
Other names: c.223G>A, p.Gly75Ser (NM_001135040.3, NM_001190837.2); c.172G>A, p.Gly58Ser (NM_001190836.2, NM_001378991.1, NM_001378992.1); short protein forms G58S, G75S.
Identifiers: ClinVar variation 1397480 (VCV001397480.6), dbSNP rs2103722715, ClinGen allele CA347321890.

ClinVar aggregate classification (germline): Uncertain significance (1 of 4 stars; one submission).

Conditions:
Perry syndrome. Also called: PARKINSONISM WITH ALVEOLAR HYPOVENTILATION AND MENTAL DEPRESSION. Identifiers: Orphanet 178509, MedGen C1868594, MONDO:0008201, OMIM 168605.
Neuronopathy, distal hereditary motor, type 7B. Also called: Distal Hereditary Motor Neuronopathy Type 7B (dHMN7B); HMN VIIB; LOWER MOTOR NEURON DISEASE, DYNACTIN TYPE; NEURONOPATHY, DISTAL HEREDITARY MOTOR, AUTOSOMAL DOMINANT 14; NEURONOPATHY, DISTAL HEREDITARY MOTOR, HARDING TYPE VIIB; NEUROPATHY, DISTAL HEREDITARY MOTOR, HARDING TYPE VIIB. Identifiers: Orphanet 139589, MedGen C1843315, MONDO:0011879, OMIM 607641.
Amyotrophic lateral sclerosis type 1 (ALS1). Also called: AMYOTROPHIC LATERAL SCLEROSIS 1, FAMILIAL. Identifiers: Orphanet 803, MedGen C1862939, MONDO:0007103, OMIM 105400.

Submission:

Labcorp Genetics (formerly Invitae), Labcorp
Classification: Uncertain significance for Amyotrophic lateral sclerosis type 1; Neuronopathy, distal hereditary motor, type 7B; Perry syndrome. Last evaluated: 2021-09-20. Review status: criteria provided, single submitter. Criteria: Invitae Variant Classification Sherloc (09022015). Collection method: clinical testing. Allele origin: germline.
Comment: In summary, the available evidence is currently insufficient to determine the role of this variant in disease. Therefore, it has been classified as a Variant of Uncertain Significance. Algorithms developed to predict the effect of missense changes on protein structure and function (SIFT, PolyPhen-2, Align-GVGD) all suggest that this variant is likely to be disruptive. This variant has not been reported in the literature in individuals affected with DCTN1-related conditions. This variant is not present in population databases (ExAC no frequency). This sequence change replaces glycine with serine at codon 75 of the DCTN1 protein (p.Gly75Ser). The glycine residue is highly conserved and there is a small physicochemical difference between glycine and serine.